The following is an entry in ClinVar:

ClinVar aggregate classification (germline): Uncertain significance (1 of 4 stars; one submission).

Allele frequency attached by ClinVar (database versions not stated): TOPMed below 0.00001; gnomAD 0.00001.

Submission:

Labcorp Genetics (formerly Invitae), Labcorp
Classification: Uncertain significance. Last evaluated: 2024-12-02. Review status: criteria provided, single submitter. Criteria: Invitae Variant Classification Sherloc (09022015). Collection method: clinical testing. Allele origin: germline.
Comment: This sequence change replaces methionine, which is neutral and non-polar, with isoleucine, which is neutral and non-polar, at codon 1513 of the LRP5 protein (p.Met1513Ile). This variant is not present in population databases (gnomAD no frequency). This variant has not been reported in the literature in individuals affected with LRP5-related conditions. ClinVar contains an entry for this variant (Variation ID: 1715118). Invitae Evidence Modeling of protein sequence and biophysical properties (such as structural, functional, and spatial information, amino acid conservation, physicochemical variation, residue mobility, and thermodynamic stability) indicates that this missense variant is not expected to disrupt LRP5 protein function with a negative predictive value of 95%. In summary, the available evidence is currently insufficient to determine the role of this variant in disease. Therefore, it has been classified as a Variant of Uncertain Significance.

NM_002335.4(LRP5):c.4539G>A (p.Met1513Ile)

Gene: LRP5 (LDL receptor related protein 5; plus strand). Cytogenetic location: 11q13.2.
Variant type: single nucleotide variant.
Coding change: c.4539G>A on transcript NM_002335.4 (MANE Select); coding-DNA position 4539, G replaced by A.
Protein change: p.Met1513Ile; replaces methionine 1513 with isoleucine.
Molecular consequence: missense variant.
Genome position (GRCh38, 1-based): chr11:68,446,486, G>A. VCF-style: chr11-68446486-G-A. GRCh37 (hg19) VCF-style: chr11-68213954-G-A.
Other names: c.2796G>A, p.Met932Ile (NM_001291902.2); short protein forms M1513I, M932I.
Identifiers: ClinVar variation 1715118 (VCV001715118.5), dbSNP rs1188523405, ClinGen allele CA381616959.